The following is an entry in ClinVar:

NM_004793.4(LONP1):c.1726T>C (p.Cys576Arg)

Gene: LONP1 (lon peptidase 1, mitochondrial; minus strand). Cytogenetic location: 19p13.3.
Variant type: single nucleotide variant.
Coding change: c.1726T>C on transcript NM_004793.4 (MANE Select); coding-DNA position 1726, T replaced by C.
Protein change: p.Cys576Arg; replaces cysteine 576 with arginine.
Molecular consequence: missense variant. On other transcripts: non-coding transcript variant (1).
Genome position (GRCh38, 1-based): chr19:5,696,717, A>G on the plus strand (T>C on the coding strand, the complement: LONP1 is on the minus strand). VCF-style: chr19-5696717-A-G. GRCh37 (hg19) VCF-style: chr19-5696728-A-G.
Other names: c.1534T>C, p.Cys512Arg (NM_001276479.2); c.1138T>C, p.Cys380Arg (NM_001276480.1); short protein forms C380R, C512R, C576R.
Identifiers: ClinVar variation 3629506 (VCV003629506.2).
Genomic context (GRCh38, chr19:5,696,717, plus strand): 5'-TCTCCGCACGCACCTCGTCGATGAGGATCAGGGGGTTCTCCGTCTTGGTCTTCTTCAAAC[A>G]CTGGATGATCTTCCCGGGCATGGCGCCCACGTAGGTCCGCCTGTGGGTGCACAGCGGGGT-3'
Protein context (NP_004784.2, residues 566-586): VGAMPGKIIQ[Cys576Arg]LKKTKTENPL

ClinVar aggregate classification (germline): Uncertain significance (1 of 4 stars; one submission).

gnomAD v4.1: 6 of 1,613,524 alleles (0.00037%); highest among the groups gnomAD compares: South Asian, 0.0055%; no homozygotes.

Submission:

Women's Health and Genetics/Laboratory Corporation of America, LabCorp
Classification: Uncertain significance. Last evaluated: 2024-11-29. Review status: criteria provided, single submitter. Criteria: LabCorp Variant Classification Summary - May 2015. Collection method: clinical testing. Allele origin: germline.
Comment: Variant summary: LONP1 c.1726T>C (p.Cys576Arg) results in a non-conservative amino acid change in the encoded protein sequence. Five of five in-silico tools predict a damaging effect of the variant on protein function. The variant allele was found at a frequency of 8e-06 in 250766 control chromosomes. The available data on variant occurrences in the general population are insufficient to allow any conclusion about variant significance. To our knowledge, no occurrence of c.1726T>C in individuals affected with CODAS Syndrome and no experimental evidence demonstrating its impact on protein function have been reported. No submitters have cited clinical-significance assessments for this variant to ClinVar. Based on the evidence outlined above, the variant was classified as uncertain significance.